The following is an entry in ClinVar:

NM_006031.6(PCNT):c.2872G>A (p.Gly958Ser)

Gene: PCNT (pericentrin; plus strand). Cytogenetic location: 21q22.3.
Variant type: single nucleotide variant.
Coding change: c.2872G>A on transcript NM_006031.6 (MANE Select); coding-DNA position 2872, G replaced by A.
Protein change: p.Gly958Ser; replaces glycine 958 with serine.
Molecular consequence: missense variant.
Genome position (GRCh38, 1-based): chr21:46,366,846, G>A. VCF-style: chr21-46366846-G-A. GRCh37 (hg19) VCF-style: chr21-47786761-G-A.
Other names: c.2518G>A, p.Gly840Ser (NM_001315529.2); c.2872G>A (NM_006031.5); short protein forms G840S, G958S.
Identifiers: ClinVar variation 1422225 (VCV001422225.7), dbSNP rs541135644, ClinGen allele CA10079117.

ClinVar aggregate classification (germline): Conflicting classifications of pathogenicity. Review status: criteria provided, conflicting classifications (1 of 4 stars). 3 submissions from 3 submitters: Uncertain significance (1); Likely benign (1). 1 of the submissions does not count toward it. Last evaluated 2025-10-29.

Conditions:
PCNT-related disorder. Also called: PCNT-related condition.
Inborn genetic diseases. Identifiers: MedGen C0950123, MeSH D030342.

Allele frequency attached by ClinVar (database versions not stated): ExAC 0.00001; gnomAD exomes 0.00001 and 0.00002; gnomAD 0.00003 and 0.00004; TOPMed 0.00006; 1000 Genomes Project 30x 0.00016; 1000 Genomes Project 0.00020.
gnomAD v4.1: 26 of 1,614,006 alleles (0.0016%); highest among the groups gnomAD compares: African/African-American, 0.011%; no homozygotes.

Submissions (3):

Ambry Genetics
Classification: Likely benign for Inborn genetic diseases. Last evaluated: 2025-10-29. Review status: criteria provided, single submitter. Criteria: Ambry Variant Classification Scheme 2023. Collection method: clinical testing. Allele origin: germline.

Labcorp Genetics (formerly Invitae), Labcorp
Classification: Uncertain significance. Last evaluated: 2025-01-27. Review status: criteria provided, single submitter. Criteria: Invitae Variant Classification Sherloc (09022015). Collection method: clinical testing. Allele origin: germline.
Comment: This sequence change replaces glycine, which is neutral and non-polar, with serine, which is neutral and polar, at codon 958 of the PCNT protein (p.Gly958Ser). This variant is present in population databases (rs541135644, gnomAD 0.006%). This variant has not been reported in the literature in individuals affected with PCNT-related conditions. ClinVar contains an entry for this variant (Variation ID: 1422225). An algorithm developed to predict the effect of missense changes on protein structure and function outputs the following: PolyPhen-2: "Benign". The serine amino acid residue is found in multiple mammalian species, which suggests that this missense change does not adversely affect protein function. In summary, the available evidence is currently insufficient to determine the role of this variant in disease. Therefore, it has been classified as a Variant of Uncertain Significance.

PreventionGenetics, part of Exact Sciences
Classification: Uncertain significance for PCNT-related condition. Last evaluated: 2024-06-14. Review status: no assertion criteria provided. Collection method: clinical testing. Allele origin: germline. Not counted in ClinVar's aggregate classification.
Comment: The PCNT c.2872G>A variant is predicted to result in the amino acid substitution p.Gly958Ser. To our knowledge, this variant has not been reported in the literature. This variant is reported in 0.0065% of alleles in individuals of South Asian descent in gnomAD. At this time, the clinical significance of this variant is uncertain due to the absence of conclusive functional and genetic evidence.